The following is an entry in ClinVar:

NM_020207.7(ERCC6L2):c.4G>A (p.Asp2Asn)

Gene: ERCC6L2 (ERCC excision repair 6 like 2; plus strand). Cytogenetic location: 9q22.32.
Variant type: single nucleotide variant.
Coding change: c.4G>A on transcript NM_020207.7 (MANE Select); coding-DNA position 4, G replaced by A.
Protein change: p.Asp2Asn; replaces aspartic acid 2 with asparagine.
Molecular consequence: missense variant. On other transcripts: non-coding transcript variant (1).
Genome position (GRCh38, 1-based): chr9:95,876,042, G>A. VCF-style: chr9-95876042-G-A. GRCh37 (hg19) VCF-style: chr9-98638324-G-A.
Other names: c.4G>A, p.Asp2Asn (NM_001010895.4, NM_001375291.1, NM_001375292.1 and 2 more transcripts); short protein forms D2N.
Identifiers: ClinVar variation 2261799 (VCV002261799.5), dbSNP rs768362145, ClinGen allele CA5139199.

ClinVar aggregate classification (germline): Uncertain significance. Review status: criteria provided, multiple submitters, no conflicts (2 of 4 stars). 2 submissions from 2 submitters: Uncertain significance (2). Last evaluated 2025-10-05.

Conditions:
Inborn genetic diseases. Identifiers: MedGen C0950123, MeSH D030342.

Allele frequency attached by ClinVar (database versions not stated): gnomAD 0.00001; ExAC 0.00003; gnomAD exomes below 0.00001; TOPMed 0.00001.
gnomAD v4.1: 7 of 1,589,286 alleles (0.00044%); highest among the groups gnomAD compares: Non-Finnish European, 0.000086%; no homozygotes.

Submissions (2):

Labcorp Genetics (formerly Invitae), Labcorp
Classification: Uncertain significance. Last evaluated: 2025-10-05. Review status: criteria provided, single submitter. Criteria: Invitae Variant Classification Sherloc (09022015). Collection method: clinical testing. Allele origin: germline.
Comment: This sequence change replaces aspartic acid, which is acidic and polar, with asparagine, which is neutral and polar, at codon 13 of the ERCC6L2 protein (p.Asp13Asn). The frequency data for this variant in the population databases is considered unreliable, as metrics indicate poor data quality at this position in the gnomAD database. This variant has not been reported in the literature in individuals affected with ERCC6L2-related conditions. ClinVar contains an entry for this variant (Variation ID: 2261799). Experimental studies and prediction algorithms are not available or were not evaluated, and the functional significance of this variant is currently unknown. In summary, the available evidence is currently insufficient to determine the role of this variant in disease. Therefore, it has been classified as a Variant of Uncertain Significance.

Ambry Genetics
Classification: Uncertain significance for Inborn genetic diseases. Last evaluated: 2021-11-15. Review status: criteria provided, single submitter. Criteria: Ambry Variant Classification Scheme 2023. Collection method: clinical testing. Allele origin: germline.